The following is an entry in ClinVar:

ClinVar aggregate classification (germline): Pathogenic/Likely pathogenic. Review status: criteria provided, multiple submitters, no conflicts (2 of 4 stars). 6 submissions from 6 submitters: Pathogenic (1); Likely pathogenic (5). Last evaluated 2026-06-01.

Conditions:
Congenital myasthenic syndrome 11. Also called: Myasthenic syndrome, congenital, 11, associated with acetylcholine receptor deficiency; MYASTHENIC SYNDROME, CONGENITAL, Ie. Identifiers: Orphanet 590, MedGen C4225367, MONDO:0014588, OMIM 616326.
Fetal akinesia deformation sequence 1 (FADS1). Also called: Fetal akinesia sequence; Pena-Shokeir syndrome type I. Identifiers: Orphanet 994, MedGen C1276035, MONDO:0100101, OMIM 208150, HP:0001989.
Fetal akinesia deformation sequence 2. Identifiers: MedGen C4760576, MONDO:0100102, OMIM 618388.
Congenital myasthenic syndrome (CMS). Also called: Congenital Myasthenic Syndromes. Identifiers: Orphanet 590, MedGen C0751882, MeSH D020294, MONDO:0018940.

Allele frequency attached by ClinVar (database versions not stated): gnomAD 0.00001; gnomAD exomes 0.00001; TOPMed 0.00001.
gnomAD v4.1: 5 of 1,610,300 alleles (0.00031%); highest among the groups gnomAD compares: Admixed American, 0.005%; no homozygotes.

Submissions (6):

CeGaT Center for Human Genetics Tuebingen
Classification: Likely pathogenic. Last evaluated: 2026-06-01. Review status: criteria provided, single submitter. Criteria: CeGaT Center For Human Genetics Tuebingen Variant Classification Criteria Version 2. Collection method: clinical testing. Allele origin: germline. Affected: yes. Observed: 1 variant allele.
Comment: RAPSN: PVS1:Strong, PM2

Labcorp Genetics (formerly Invitae), Labcorp
Classification: Pathogenic for Congenital myasthenic syndrome 11; Fetal akinesia deformation sequence 1. Last evaluated: 2026-01-14. Review status: criteria provided, single submitter. Criteria: Invitae Variant Classification Sherloc (09022015). Collection method: clinical testing. Allele origin: germline.
Comment: This sequence change affects a donor splice site in intron 2 of the RAPSN gene. It is expected to disrupt RNA splicing. Variants that disrupt the donor or acceptor splice site typically lead to a loss of protein function (PMID: 16199547), and loss-of-function variants in RAPSN are known to be pathogenic (PMID: 17686188). The frequency data for this variant in the population databases is considered unreliable, as metrics indicate poor data quality at this position in the gnomAD database. Disruption of this splice site has been observed in individual(s) with clinical features of congenital myasthenic syndrome (internal data). In at least one individual the data is consistent with being in trans (on the opposite chromosome) from a pathogenic variant. ClinVar contains an entry for this variant (Variation ID: 1067929). Algorithms developed to predict the effect of sequence changes on RNA splicing suggest that this variant may disrupt the consensus splice site. For these reasons, this variant has been classified as Pathogenic.

Natera, Inc.
Classification: Likely pathogenic for Congenital myasthenic syndrome. Last evaluated: 2024-11-21. Review status: criteria provided, single submitter. Criteria: Natera Variant Classification Schema (03/2026). Collection method: clinical testing. Allele origin: germline.
Comment: The c.531+1G>T variant in RAPSN is a canonical splice donor site variant predicted to affect pre-mRNA splicing, which may result in an abnormal transcript and altered protein product. This variant is expected to result in nonsense mediated decay, truncation, or a dysfunctional protein product. This variant is rare in the general population with a frequency below the threshold expected for the associated phenotype(s). Given the available evidence, this variant is classified as Likely Pathogenic.

Fulgent Genetics
Classification: Likely pathogenic for Congenital myasthenic syndrome 11; Fetal akinesia deformation sequence 2. Last evaluated: 2024-04-03. Review status: criteria provided, single submitter. Criteria: ACMG Guidelines, 2015. Collection method: clinical testing. Allele origin: germline.

Baylor Genetics
Classification: Likely pathogenic for Fetal akinesia deformation sequence 2. Last evaluated: 2023-09-14. Review status: criteria provided, single submitter. Criteria: ACMG Guidelines, 2015. Collection method: clinical testing. Allele origin: unknown.

Illumina Laboratory Services, Illumina
Classification: Likely pathogenic for Congenital myasthenic syndrome 11. Last evaluated: 2020-12-04. Review status: criteria provided, single submitter. Criteria: ICSLVariantClassificationCriteria RUGD 01 April 2020. Collection method: clinical testing. Allele origin: unknown.
Comment: The RAPSN c.531+1G>T variant occurs in a canonical splice site (donor) and is therefore predicted to disrupt the normal gene product. A literature search was performed for the gene, and cDNA change. No publications were found based on this search. This variant is found at a frequency of 0.000059 in the Latino population of the Genome Aggregation Database, but this is based on two alleles in a region of good sequence coverage, so the variant is presumed to be rare. Based on the potential impact of splice donor variants and application of ACMG criteria, the c.531+1G>T variant is classified as likely pathogenic for congenital myasthenic syndrome.

Literature cited by the submitters: PubMed 16199547 (cited by Labcorp Genetics (formerly Invitae), Labcorp); PubMed 17686188 (cited by Labcorp Genetics (formerly Invitae), Labcorp).

NM_005055.5(RAPSN):c.531+1G>T

Gene: RAPSN (receptor associated protein of the synapse; minus strand). Cytogenetic location: 11p11.2.
Variant type: single nucleotide variant.
Coding change: c.531+1G>T on transcript NM_005055.5 (MANE Select); the canonical splice donor site of the intron after coding-DNA position 531, G replaced by T.
Molecular consequence: splice donor variant.
Genome position (GRCh38, 1-based): chr11:47,447,811, C>A on the plus strand (G>T on the coding strand, the complement: RAPSN is on the minus strand). VCF-style: chr11-47447811-C-A. GRCh37 (hg19) VCF-style: chr11-47469363-C-A.
Other names: c.531+1G>T (NM_032645.5, NM_005055.4).
Identifiers: ClinVar variation 1067929 (VCV001067929.18), dbSNP rs1421354085, ClinGen allele CA380333475.